The following is an entry in ClinVar:

NM_000553.6(WRN):c.994C>G (p.Gln332Glu)

Gene: WRN (WRN RecQ like helicase; plus strand). Cytogenetic location: 8p12.
Variant type: single nucleotide variant.
Coding change: c.994C>G on transcript NM_000553.6 (MANE Select); coding-DNA position 994, C replaced by G.
Protein change: p.Gln332Glu; replaces glutamine 332 with glutamic acid.
Molecular consequence: missense variant.
Genome position (GRCh38, 1-based): chr8:31,081,021, C>G. VCF-style: chr8-31081021-C-G. GRCh37 (hg19) VCF-style: chr8-30938537-C-G.
Other names: short protein forms Q332E.
Identifiers: ClinVar variation 2098274 (VCV002098274.4), dbSNP rs1374026497, ClinGen allele CA370920161.

ClinVar aggregate classification (germline): Uncertain significance (1 of 4 stars; one submission).

Conditions:
Werner syndrome (WRN). Identifiers: Orphanet 902, MedGen C0043119, MONDO:0010196, OMIM 277700.

Submission:

Labcorp Genetics (formerly Invitae), Labcorp
Classification: Uncertain significance for Werner syndrome. Last evaluated: 2023-06-11. Review status: criteria provided, single submitter. Criteria: Invitae Variant Classification Sherloc (09022015). Collection method: clinical testing. Allele origin: germline.
Comment: In summary, the available evidence is currently insufficient to determine the role of this variant in disease. Therefore, it has been classified as a Variant of Uncertain Significance. Algorithms developed to predict the effect of missense changes on protein structure and function output the following: SIFT: "Not Available"; PolyPhen-2: "Benign"; Align-GVGD: "Not Available". The glutamic acid amino acid residue is found in multiple mammalian species, which suggests that this missense change does not adversely affect protein function. ClinVar contains an entry for this variant (Variation ID: 2098274). This variant has not been reported in the literature in individuals affected with WRN-related conditions. This variant is not present in population databases (gnomAD no frequency). This sequence change replaces glutamine, which is neutral and polar, with glutamic acid, which is acidic and polar, at codon 332 of the WRN protein (p.Gln332Glu).